The following is an entry in ClinVar:

NM_000057.4(BLM):c.2619G>T (p.Lys873Asn)

Gene: BLM (BLM RecQ like helicase; plus strand). Cytogenetic location: 15q26.1.
Variant type: single nucleotide variant.
Coding change: c.2619G>T on transcript NM_000057.4 (MANE Select); coding-DNA position 2619, G replaced by T.
Protein change: p.Lys873Asn; replaces lysine 873 with asparagine.
Molecular consequence: missense variant.
Genome position (GRCh38, 1-based): chr15:90,782,885, G>T. VCF-style: chr15-90782885-G-T. GRCh37 (hg19) VCF-style: chr15-91326115-G-T.
Other names: c.2619G>T, p.Lys873Asn (NM_001287246.2, NM_001287247.2); c.1494G>T, p.Lys498Asn (NM_001287248.2); short protein forms K498N, K873N.
Identifiers: ClinVar variation 2566806 (VCV002566806.4), dbSNP rs146723808, ClinGen allele CA393845729.

ClinVar aggregate classification (germline): Uncertain significance. Review status: criteria provided, multiple submitters, no conflicts (2 of 4 stars). 2 submissions from 2 submitters: Uncertain significance (2). Last evaluated 2024-07-22.

Conditions:
Hereditary cancer-predisposing syndrome. Also called: Hereditary neoplastic syndrome; Hereditary Cancer Syndrome; Neoplastic Syndromes, Hereditary; Tumor predisposition. Identifiers: Orphanet 140162, MedGen C0027672, MeSH D009386, MONDO:0015356.
Bloom syndrome (BLM). Also called: Bloom-Torre-Machacek syndrome. Identifiers: Orphanet 125, MedGen C0005859, MONDO:0008876, OMIM 210900.

gnomAD v4.1: 2 of 1,613,928 alleles (0.00012%); highest among the groups gnomAD compares: South Asian, 0.0011%; no homozygotes.

Submissions (2):

Labcorp Genetics (formerly Invitae), Labcorp
Classification: Uncertain significance for Bloom syndrome. Last evaluated: 2024-07-22. Review status: criteria provided, single submitter. Criteria: Invitae Variant Classification Sherloc (09022015). Collection method: clinical testing. Allele origin: germline.
Comment: This sequence change replaces lysine, which is basic and polar, with asparagine, which is neutral and polar, at codon 873 of the BLM protein (p.Lys873Asn). This variant is not present in population databases (gnomAD no frequency). This variant has not been reported in the literature in individuals affected with BLM-related conditions. ClinVar contains an entry for this variant (Variation ID: 2566806). Advanced modeling of protein sequence and biophysical properties (such as structural, functional, and spatial information, amino acid conservation, physicochemical variation, residue mobility, and thermodynamic stability) performed at Invitae indicates that this missense variant is not expected to disrupt BLM protein function with a negative predictive value of 80%. Experimental studies are conflicting or provide insufficient evidence to determine the effect of this variant on BLM function (PMID: 23129629). In summary, the available evidence is currently insufficient to determine the role of this variant in disease. Therefore, it has been classified as a Variant of Uncertain Significance.

Ambry Genetics
Classification: Uncertain significance for Hereditary cancer-predisposing syndrome. Last evaluated: 2023-04-12. Review status: criteria provided, single submitter. Criteria: Ambry Variant Classification Scheme 2023. Collection method: clinical testing. Allele origin: germline.
Comment: The p.K873N variant (also known as c.2619G>T), located in coding exon 12 of the BLM gene, results from a G to T substitution at nucleotide position 2619. The lysine at codon 873 is replaced by asparagine, an amino acid with similar properties. In a yeast based assay testing BLM variants for hypersensitivity to the DNA-damaging agent hydroxyurea (HU), the p.K873N variant showed hypersensitivity equivalent to wild type (Mirzaei H et al. Proc Natl Acad Sci U S A, 2012 Nov;109:19357-62). This amino acid position is well conserved in available vertebrate species. In addition, this alteration is predicted to be tolerated by in silico analysis. Since supporting evidence is limited at this time, the clinical significance of this alteration remains unclear.

Literature cited by the submitters: PubMed 23129629 (cited by Labcorp Genetics (formerly Invitae), Labcorp and Ambry Genetics).